The following is an entry in ClinVar:

NM_000287.4(PEX6):c.2482C>T (p.Gln828Ter)

Gene: PEX6 (peroxisomal biogenesis factor 6; minus strand). Cytogenetic location: 6p21.1.
Variant type: single nucleotide variant.
Coding change: c.2482C>T on transcript NM_000287.4 (MANE Select); coding-DNA position 2482, C replaced by T.
Protein change: p.Gln828Ter; replaces glutamine 828 with a stop codon.
Molecular consequence: nonsense. On other transcripts: non-coding transcript variant (1).
Genome position (GRCh38, 1-based): chr6:42,965,358, G>A on the plus strand (C>T on the coding strand, the complement: PEX6 is on the minus strand). VCF-style: chr6-42965358-G-A. GRCh37 (hg19) VCF-style: chr6-42933096-G-A.
Other names: c.2218C>T, p.Gln740Ter (NM_001316313.2); short protein forms Q740*, Q828*.
Identifiers: ClinVar variation 1701970 (VCV001701970.4), dbSNP rs267608243, ClinGen allele CA138222169.

ClinVar aggregate classification (germline): Likely pathogenic (1 of 4 stars; one submission).

Conditions:
Peroxisome biogenesis disorder 4A (Zellweger) (PBD4A). Also called: Zellweger syndrome spectrum (PEX6-related). Identifiers: Orphanet 912, MedGen C3553936, MONDO:0013930, OMIM 614862. Disease mechanism: loss of function.

Submission:

Centre de Génétique Humaine, Institut de Pathologie Et de Génétique
Classification: Likely pathogenic for Peroxisome biogenesis disorder 4A (Zellweger). Last evaluated: 2022-07-04. Review status: criteria provided, single submitter. Criteria: ACMG Guidelines, 2015. Collection method: clinical testing, in vitro. Allele origin: maternal, not applicable. Inheritance: Autosomal recessive inheritance. Affected: yes. Observed: 1 compound heterozygote. Functional consequence: RNA degradation by nonsense-mediated decay.
Comment: Nonsense variant in a gene where LOF is a known mechanism of disease. Not present in GnomAD. Reported in PMID: 19877282 in heterozygous state in a patient with ZSD. This variant is targeted by nonsense-mediated mRNA decay (NMD) as shown by RNA analysis on patient's skin fibroblast.

Literature cited by the submitters: PubMed 19877282.